The following is an entry in ClinVar:

ClinVar aggregate classification (germline): Uncertain significance (1 of 4 stars; one submission).

gnomAD v4.1: 4 of 1,614,204 alleles (0.00025%); highest among the groups gnomAD compares: Non-Finnish European, 0.00025%; no homozygotes.

Submission:

Labcorp Genetics (formerly Invitae), Labcorp
Classification: Uncertain significance. Last evaluated: 2024-08-08. Review status: criteria provided, single submitter. Criteria: Invitae Variant Classification Sherloc (09022015). Collection method: clinical testing. Allele origin: germline.
Comment: This sequence change replaces leucine, which is neutral and non-polar, with valine, which is neutral and non-polar, at codon 678 of the SIM1 protein (p.Leu678Val). This variant is present in population databases (no rsID available, gnomAD 0.0009%). This variant has not been reported in the literature in individuals affected with SIM1-related conditions. An algorithm developed to predict the effect of missense changes on protein structure and function (PolyPhen-2) suggests that this variant is likely to be tolerated. In summary, the available evidence is currently insufficient to determine the role of this variant in disease. Therefore, it has been classified as a Variant of Uncertain Significance.

NM_005068.3(SIM1):c.2032C>G (p.Leu678Val)

Gene: SIM1 (SIM bHLH transcription factor 1; minus strand). Cytogenetic location: 6q16.3.
Variant type: single nucleotide variant.
Coding change: c.2032C>G on transcript NM_005068.3 (MANE Select); coding-DNA position 2032, C replaced by G.
Protein change: p.Leu678Val; replaces leucine 678 with valine.
Molecular consequence: missense variant.
Genome position (GRCh38, 1-based): chr6:100,390,630, G>C on the plus strand (C>G on the coding strand, the complement: SIM1 is on the minus strand). VCF-style: chr6-100390630-G-C. GRCh37 (hg19) VCF-style: chr6-100838506-G-C.
Other names: c.2032C>G, p.Leu678Val (NM_001374769.1); short protein forms L678V.
Identifiers: ClinVar variation 3693726 (VCV003693726.2).